The following is an entry in ClinVar:

NM_001025616.3(ARHGAP24):c.2151G>A (p.Met717Ile)

Gene: ARHGAP24 (Rho GTPase activating protein 24; plus strand). Cytogenetic location: 4q21.3.
Variant type: single nucleotide variant.
Coding change: c.2151G>A on transcript NM_001025616.3 (MANE Select); coding-DNA position 2151, G replaced by A.
Protein change: p.Met717Ile; replaces methionine 717 with isoleucine.
Molecular consequence: missense variant.
Genome position (GRCh38, 1-based): chr4:86,000,626, G>A. VCF-style: chr4-86000626-G-A. GRCh37 (hg19) VCF-style: chr4-86921779-G-A.
Other names: c.1866G>A, p.Met622Ile (NM_001042669.2); c.1896G>A, p.Met632Ile (NM_001287805.2); c.1572G>A, p.Met524Ile (NM_001346093.2); c.1872G>A, p.Met624Ile (NM_031305.3); short protein forms M624I, M717I, M524I, M622I, M632I.
Identifiers: ClinVar variation 3939457 (VCV003939457.1).

ClinVar aggregate classification (germline): Uncertain significance (1 of 4 stars; one submission).

gnomAD v4.1: 2 of 1,614,014 alleles (0.00012%); highest among the groups gnomAD compares: East Asian, 0.0022%; no homozygotes.

Submission:

Ambry Genetics
Classification: Uncertain significance. Last evaluated: 2025-05-07. Review status: criteria provided, single submitter. Criteria: Ambry Variant Classification Scheme 2023. Collection method: clinical testing. Allele origin: germline.
Comment: Does not currently meet published gene-disease clinical validity criteria Based on insufficient or conflicting evidence, the clinical significance of this alteration remains unclear.

Literature cited by the submitters: PubMed 28106320.